The following is an entry in ClinVar:

ClinVar aggregate classification (germline): Uncertain significance (1 of 4 stars; one submission).

Conditions:
RASopathy. Also called: Noonan spectrum disorder; rasopathies. Identifiers: Orphanet 536391, MedGen C5555857, MONDO:0021060.

gnomAD v4.1: 1 of 1,613,454 alleles (0.000062%); highest among the groups gnomAD compares: South Asian, 0.0011%; no homozygotes.

Submission:

Labcorp Genetics (formerly Invitae), Labcorp
Classification: Uncertain significance for RASopathy. Last evaluated: 2025-12-29. Review status: criteria provided, single submitter. Criteria: Invitae Variant Classification Sherloc (09022015). Collection method: clinical testing. Allele origin: germline.
Comment: This sequence change replaces arginine, which is basic and polar, with lysine, which is basic and polar, at codon 744 of the SOS1 protein (p.Arg744Lys). This variant is not present in population databases (gnomAD no frequency). This variant has not been reported in the literature in individuals affected with SOS1-related conditions. Invitae Evidence Modeling of protein sequence and biophysical properties (such as structural, functional, and spatial information, amino acid conservation, physicochemical variation, residue mobility, and thermodynamic stability) indicates that this missense variant is not expected to disrupt SOS1 protein function with a negative predictive value of 95%. In summary, the available evidence is currently insufficient to determine the role of this variant in disease. Therefore, it has been classified as a Variant of Uncertain Significance.

NM_005633.4(SOS1):c.2231G>A (p.Arg744Lys)

Gene: SOS1 (SOS Ras/Rac guanine nucleotide exchange factor 1; minus strand). Cytogenetic location: 2p22.1.
Variant type: single nucleotide variant.
Coding change: c.2231G>A on transcript NM_005633.4 (MANE Select); coding-DNA position 2231, G replaced by A.
Protein change: p.Arg744Lys; replaces arginine 744 with lysine.
Molecular consequence: missense variant.
Genome position (GRCh38, 1-based): chr2:39,012,285, C>T on the plus strand (G>A on the coding strand, the complement: SOS1 is on the minus strand). VCF-style: chr2-39012285-C-T. GRCh37 (hg19) VCF-style: chr2-39239426-C-T.
Other names: c.2210G>A, p.Arg737Lys (NM_001382394.1); c.2231G>A, p.Arg744Lys (NM_001382395.1); short protein forms R744K, R737K.
Identifiers: ClinVar variation 4747098 (VCV004747098.1).